The following is an entry in ClinVar:

ClinVar aggregate classification (germline): Pathogenic (1 of 4 stars; one submission).

Conditions:
Peroxisome biogenesis disorder. Identifiers: Orphanet 79189, MedGen C1832200, MONDO:0019234. Disease mechanism: loss of function.

Allele frequency attached by ClinVar (database versions not stated): gnomAD exomes below 0.00001.
gnomAD v4.1: 4 of 1,614,212 alleles (0.00025%); highest among the groups gnomAD compares: Non-Finnish European, 0.00034%; no homozygotes.

Submission:

Labcorp Genetics (formerly Invitae), Labcorp
Classification: Pathogenic for Peroxisome biogenesis disorder. Last evaluated: 2023-10-26. Review status: criteria provided, single submitter. Criteria: Invitae Variant Classification Sherloc (09022015). Collection method: clinical testing. Allele origin: germline.
Comment: This sequence change creates a premature translational stop signal (p.Ser171*) in the PEX16 gene. It is expected to result in an absent or disrupted protein product. Loss-of-function variants in PEX16 are known to be pathogenic (PMID: 9837814, 11890679, 20647552, 20681997). This variant is not present in population databases (gnomAD no frequency). This variant has not been reported in the literature in individuals affected with PEX16-related conditions. For these reasons, this variant has been classified as Pathogenic.

Literature cited by the submitters: PubMed 9837814; PubMed 11890679; PubMed 20647552; PubMed 20681997.

NM_004813.4(PEX16):c.512C>A (p.Ser171Ter)

Gene: PEX16 (peroxisomal biogenesis factor 16; minus strand). Cytogenetic location: 11p11.2.
Variant type: single nucleotide variant.
Coding change: c.512C>A on transcript NM_004813.4 (MANE Select); coding-DNA position 512, C replaced by A.
Protein change: p.Ser171Ter; replaces serine 171 with a stop codon.
Molecular consequence: nonsense.
Genome position (GRCh38, 1-based): chr11:45,914,633, G>T on the plus strand (C>A on the coding strand, the complement: PEX16 is on the minus strand). VCF-style: chr11-45914633-G-T. GRCh37 (hg19) VCF-style: chr11-45936184-G-T.
Other names: c.512C>A, p.Ser171Ter (NM_057174.3); short protein forms S171*.
Identifiers: ClinVar variation 3000652 (VCV003000652.3), dbSNP rs2086814554, ClinGen allele CA380227327.
Genomic context (GRCh38, chr11:45,914,633, plus strand): 5'-GGTGCCCAGGCCAGCCACATCCTCCACTTACTGTTCTGGAGGGTTCGCACCACCCGGTTT[G>T]ACCGCTTCCCCACGTAGGACTGCTCATGGTTGCCAGGGCTGTGGTCACCATCTAGCAGGG-3'